The following is an entry in ClinVar:

NM_001330360.2(POLA1):c.2126G>A (p.Cys709Tyr)

Gene: POLA1 (DNA polymerase alpha 1, catalytic subunit; plus strand). Cytogenetic location: Xp22.11.
Variant type: single nucleotide variant.
Coding change: c.2126G>A on transcript NM_001330360.2 (MANE Select); coding-DNA position 2126, G replaced by A.
Protein change: p.Cys709Tyr; replaces cysteine 709 with tyrosine.
Molecular consequence: missense variant.
Genome position (GRCh38, 1-based): chrX:24,739,460, G>A. VCF-style: chrX-24739460-G-A. GRCh37 (hg19) VCF-style: chrX-24757577-G-A.
Other names: c.2051G>A, p.Cys684Tyr (NM_001378303.1); c.2126G>A, p.Cys709Tyr (NM_001440806.1); c.2108G>A, p.Cys703Tyr (NM_016937.4); short protein forms C684Y, C703Y, C709Y.
Identifiers: ClinVar variation 4746663 (VCV004746663.1).

ClinVar aggregate classification (germline): Uncertain significance (1 of 4 stars; one submission).

gnomAD v4.1: 2 of 1,190,674 alleles (0.00017%); highest among the groups gnomAD compares: Non-Finnish European, 0.00023%; no homozygotes.

Submission:

Labcorp Genetics (formerly Invitae), Labcorp
Classification: Uncertain significance. Last evaluated: 2025-06-15. Review status: criteria provided, single submitter. Criteria: Invitae Variant Classification Sherloc (09022015). Collection method: clinical testing. Allele origin: germline.
Comment: This sequence change replaces cysteine, which is neutral and slightly polar, with tyrosine, which is neutral and polar, at codon 703 of the POLA1 protein (p.Cys703Tyr). This variant is not present in population databases (gnomAD no frequency). This variant has not been reported in the literature in individuals affected with POLA1-related conditions. Invitae Evidence Modeling of protein sequence and biophysical properties (such as structural, functional, and spatial information, amino acid conservation, physicochemical variation, residue mobility, and thermodynamic stability) indicates that this missense variant is expected to disrupt POLA1 protein function with a positive predictive value of 80%. In summary, the available evidence is currently insufficient to determine the role of this variant in disease. Therefore, it has been classified as a Variant of Uncertain Significance.